The following is an entry in ClinVar:

NM_001009944.3(PKD1):c.11546C>A (p.Ala3849Asp)

Genes: PKD1 (polycystin 1, transient receptor potential channel interacting; minus strand), PKD1-AS1 (PKD1 antisense RNA 1; plus strand). Cytogenetic location: 16p13.3.
Variant type: single nucleotide variant.
Coding change: c.11546C>A on transcript NM_001009944.3 (MANE Select); coding-DNA position 11546, C replaced by A.
Protein change: p.Ala3849Asp; replaces alanine 3849 with aspartic acid.
Molecular consequence: missense variant. On other transcripts: non-coding transcript variant (1).
Genome position (GRCh38, 1-based): chr16:2,091,589, G>T on the plus strand (C>A on the coding strand, the complement: PKD1 is on the minus strand). VCF-style: chr16-2091589-G-T. GRCh37 (hg19) VCF-style: chr16-2141590-G-T.
Other names: c.11543C>A, p.Ala3848Asp (NM_000296.4); short protein forms A3848D, A3849D.
Identifiers: ClinVar variation 3601990 (VCV003601990.2).

ClinVar aggregate classification (germline): Conflicting classifications of pathogenicity. Review status: criteria provided, conflicting classifications (1 of 4 stars). 2 submissions from 2 submitters: Likely pathogenic (1); Uncertain significance (1). Last evaluated 2025-01-13.

Conditions:
Polycystic kidney disease, adult type (PKD1). Also called: Polycystic Kidney Disease 1, Autosomal Dominant; Polycystic kidney disease 1; Polycystic kidney disease 1, severe; POLYCYSTIC KIDNEY DISEASE 1 WITH OR WITHOUT POLYCYSTIC LIVER DISEASE; POLYCYSTIC KIDNEY DISEASE, ADULT, TYPE I; Polycystic Kidney, Autosomal Dominant. Identifiers: MedGen C3149841, MONDO:0008263, OMIM 173900.

Submissions (2):

MVZ Medizinische Genetik Mainz
Classification: Uncertain significance for Polycystic kidney disease, adult type. Last evaluated: 2025-01-13. Review status: criteria provided, single submitter. Criteria: UK Practice Guidelines For Variant Classification V4 01 2020. Collection method: clinical testing. Allele origin: germline. Inheritance: Autosomal dominant inheritance. Affected: yes. Observed: 1 variant allele.
Comment: ACMG Criteria: PP3_MOD,PM2_SUP,PP4

Department of Clinical Genetics, Aarhus University Hospital
Classification: Likely pathogenic for Polycystic kidney disease, adult type. Review status: criteria provided, single submitter. Criteria: ACMG Guidelines, 2015. Collection method: clinical testing. Allele origin: germline. Affected: yes.
Comment: This variant was found in heterozygous state in related patients with polycystic kidney disease, adding up to 4 informative meioses. The variant is not seen in the gnomAD 4.1 database. In silico tools (AlphaMissense, REVEL) state that the variant is pathogen. According to the ACMG guidelines, this variant is interpreted as likely pathogenic (PM2_supporting, PP1_moderate, PP3_moderate, PP4_supporting).